The following is an entry in ClinVar:

ClinVar aggregate classification (germline): Uncertain significance (1 of 4 stars; one submission).

Submission:

CeGaT Center for Human Genetics Tuebingen
Classification: Uncertain significance. Last evaluated: 2024-10-01. Review status: criteria provided, single submitter. Criteria: CeGaT Center For Human Genetics Tuebingen Variant Classification Criteria Version 2. Collection method: clinical testing. Allele origin: germline. Affected: yes. Observed: 1 variant allele.
Comment: SYK: PM2, BP4

NM_003177.7(SYK):c.896C>G (p.Pro299Arg)

Gene: SYK (spleen associated tyrosine kinase; plus strand). Cytogenetic location: 9q22.2.
Variant type: single nucleotide variant.
Coding change: c.896C>G on transcript NM_003177.7 (MANE Select); coding-DNA position 896, C replaced by G.
Protein change: p.Pro299Arg; replaces proline 299 with arginine.
Molecular consequence: missense variant. On other transcripts: intron variant (2).
Genome position (GRCh38, 1-based): chr9:90,867,180, C>G. VCF-style: chr9-90867180-C-G. GRCh37 (hg19) VCF-style: chr9-93629462-C-G.
Other names: c.896C>G, p.Pro299Arg (NM_001174167.3); c.846+2083C>G (NM_001174168.3, NM_001135052.4); short protein forms P299R.
Identifiers: ClinVar variation 3389821 (VCV003389821.14).